The following is an entry in ClinVar:

NM_001166108.2(PALLD):c.3068C>G (p.Ala1023Gly)

Genes: CBR4 (carbonyl reductase 4; minus strand), PALLD (palladin, cytoskeletal associated protein; plus strand). Cytogenetic location: 4q32.3.
Variant type: single nucleotide variant.
Coding change: c.3068C>G on transcript NM_001166108.2 (MANE Select); coding-DNA position 3068, C replaced by G.
Protein change: p.Ala1023Gly; replaces alanine 1023 with glycine.
Molecular consequence: missense variant.
Genome position (GRCh38, 1-based): chr4:168,924,264, C>G. VCF-style: chr4-168924264-C-G. GRCh37 (hg19) VCF-style: chr4-169845415-C-G.
Other names: c.1871C>G, p.Ala624Gly (NM_001166109.2); c.1556C>G, p.Ala519Gly (NM_001166110.2); c.896C>G, p.Ala299Gly (NM_001367567.1, NM_001367569.1); c.947C>G, p.Ala316Gly (NM_001367568.1, NM_001367570.1); c.3017C>G, p.Ala1006Gly (NM_016081.4); short protein forms A316G, A1006G, A1023G, A519G, A624G, A299G.
Identifiers: ClinVar variation 2486699 (VCV002486699.3), dbSNP rs1582241602, ClinGen allele CA358711666.

ClinVar aggregate classification (germline): Uncertain significance (1 of 4 stars; one submission).

Allele frequency attached by ClinVar (database versions not stated): gnomAD exomes below 0.00001.
gnomAD v4.1: 1 of 1,613,734 alleles (0.000062%); highest among the groups gnomAD compares: African/African-American, 0.0013%; no homozygotes.

Submission:

Ambry Genetics
Classification: Uncertain significance. Last evaluated: 2025-03-07. Review status: criteria provided, single submitter. Criteria: Ambry Variant Classification Scheme 2023. Collection method: clinical testing. Allele origin: germline.
Comment: The p.A519G variant (also known as c.1556C>G), located in coding exon 9 of the PALLD gene, results from a C to G substitution at nucleotide position 1556. The alanine at codon 519 is replaced by glycine, an amino acid with similar properties. This amino acid position is conserved. In addition, this alteration is predicted to be tolerated by in silico analysis. Based on the available evidence, the clinical significance of this variant remains unclear.